The following is an entry in ClinVar:

NM_001369.3(DNAH5):c.7670_7671del (p.Pro2557fs)

Gene: DNAH5 (dynein axonemal heavy chain 5; minus strand). Cytogenetic location: 5p15.2.
Variant type: Deletion.
Coding change: c.7670_7671del on transcript NM_001369.3 (MANE Select); coding-DNA positions 7670 to 7671, 2 bases deleted (CA; older notation c.7670_7671delCA).
Protein change: p.Pro2557fs; shifts the reading frame from proline 2557.
Molecular consequence: frameshift variant.
Genome position (GRCh38, 1-based): chr5:13,809,125-13,809,126, TG deleted on the plus strand (CA on the coding strand, the reverse complement: DNAH5 is on the minus strand). VCF-style (leftmost placement, unchanged base first): chr5-13809124-CTG-C. GRCh37 (hg19) VCF-style: chr5-13809233-CTG-C.
Other names: short protein forms P2557fs.
Identifiers: ClinVar variation 4814913 (VCV004814913.1).
Genomic context (GRCh38, chr5:13,809,124, plus strand): 5'-TTTGAATTAGAAAGTCAGTCCTCACATTGTCAACATTTGGCACCAGAATAGAACCATACT[CTG>C]GGGTGGTATCAGACGGATACAGGTATTCCTGGGTACGCGTGTTCCAGTGCGTCCATGTAC-3'

ClinVar aggregate classification (germline): Likely pathogenic (1 of 4 stars; one submission).

Conditions:
Primary ciliary dyskinesia. Also called: Ciliary dyskinesia. Identifiers: Orphanet 244, MedGen C0008780, MONDO:0016575, HP:0012265.

Submission:

Natera, Inc.
Classification: Likely pathogenic for Primary ciliary dyskinesia. Last evaluated: 2024-11-21. Review status: criteria provided, single submitter. Criteria: Natera Variant Classification Schema (03/2026). Collection method: clinical testing. Allele origin: germline.
Comment: The c.7670_7671del variant in DNAH5 is a frameshift variant predicted to shift the reading frame beginning at codon 2557 and leads to a stop codon 11 codons downstream. This variant is expected to result in nonsense mediated decay, truncation, or a dysfunctional protein product. This variant is rare in the general population with a frequency below the threshold expected for the associated phenotype(s). Given the available evidence, this variant is classified as Likely Pathogenic.